The following is an entry in ClinVar:

NM_138694.4(PKHD1):c.5224A>C (p.Thr1742Pro)

Genes: PKHD1 (PKHD1 ciliary IPT domain containing fibrocystin/polyductin; minus strand), LOC126859690 (MED14-independent group 3 enhancer GRCh37_chr6:51888848-51890047; plus strand). Cytogenetic location: 6p12.2.
Variant type: single nucleotide variant.
Coding change: c.5224A>C on transcript NM_138694.4 (MANE Select); coding-DNA position 5224, A replaced by C.
Protein change: p.Thr1742Pro; replaces threonine 1742 with proline.
Molecular consequence: missense variant.
Genome position (GRCh38, 1-based): chr6:52,024,586, T>G on the plus strand (A>C on the coding strand, the complement: PKHD1 is on the minus strand). VCF-style: chr6-52024586-T-G. GRCh37 (hg19) VCF-style: chr6-51889384-T-G.
Other names: c.5224A>C, p.Thr1742Pro (NM_170724.3); short protein forms T1742P.
Identifiers: ClinVar variation 4292477 (VCV004292477.1).

ClinVar aggregate classification (germline): Uncertain significance (1 of 4 stars; one submission).

Conditions:
Polycystic kidney disease 4 (PKD4). Also called: POLYCYSTIC KIDNEY AND HEPATIC DISEASE 1; POLYCYSTIC KIDNEY DISEASE, INFANTILE, TYPE I; POLYCYSTIC KIDNEY DISEASE 4 WITH OR WITHOUT POLYCYSTIC LIVER DISEASE; PKD3; Autosomal Recessive Polycystic Kidney Disease – PKHD1. Identifiers: MedGen C4540575, MONDO:0033004, OMIM 263200.

Submission:

3billion
Classification: Uncertain significance for Polycystic kidney disease 4. Last evaluated: 2025-02-13. Review status: criteria provided, single submitter. Criteria: ACMG Guidelines, 2015. Collection method: clinical testing. Allele origin: germline. Affected: yes.
Comment: The variant is not observed in the gnomAD v4.1.0 dataset. Predicted Consequence/Location: Missense variant. The majority of the known disease-causing variants of this gene are variants expected to result in premature termination of the protein. Different missense changes at the same codon have been reported as of uncertain significance (ClinVar ID: VCV003358190). Therefore, this variant is classified as VUS according to the recommendation of ACMG/AMP guideline.